The following is an entry in ClinVar:

ClinVar aggregate classification (germline): Uncertain significance (1 of 4 stars; one submission).

Conditions:
Inborn genetic diseases. Identifiers: MedGen C0950123, MeSH D030342.

Submission:

Ambry Genetics
Classification: Uncertain significance for Inborn genetic diseases. Last evaluated: 2025-10-11. Review status: criteria provided, single submitter. Criteria: Ambry Variant Classification Scheme 2023. Collection method: clinical testing. Allele origin: germline.
Comment: The p.K152T variant (also known as c.455A>C), located in coding exon 4 of the RUNX1 gene, results from an A to C substitution at nucleotide position 455. The lysine at codon 152 is replaced by threonine, an amino acid with similar properties. This amino acid position is conserved. In addition, this alteration is predicted to be deleterious by in silico analysis. Based on the available evidence, the clinical significance of this variant remains unclear.

NM_001754.5(RUNX1):c.455A>C (p.Lys152Thr)

Genes: RUNX1 (RUNX family transcription factor 1; minus strand), RUNX1-AS1 (RUNX1 antisense RNA 1; plus strand). Cytogenetic location: 21q22.12.
Variant type: single nucleotide variant.
Coding change: c.455A>C on transcript NM_001754.5 (MANE Select); coding-DNA position 455, A replaced by C.
Protein change: p.Lys152Thr; replaces lysine 152 with threonine.
Molecular consequence: missense variant.
Genome position (GRCh38, 1-based): chr21:34,880,610, T>G on the plus strand (A>C on the coding strand, the complement: RUNX1 is on the minus strand). VCF-style: chr21-34880610-T-G. GRCh37 (hg19) VCF-style: chr21-36252907-T-G.
Other names: c.374A>C, p.Lys125Thr (NM_001001890.3, NM_001122607.2); short protein forms K125T, K152T.
Identifiers: ClinVar variation 4629699 (VCV004629699.1).